The following is an entry in ClinVar:

ClinVar aggregate classification (germline): Uncertain significance (1 of 4 stars; one submission).

Conditions:
Pyridoxine-dependent epilepsy (EPEO4). Also called: Pyridoxine-Dependent Seizures; Pyridoxine-Dependent Epilepsy - ALDH7A1; PYRIDOXINE DEPENDENCY WITH SEIZURES; EPILEPSY, EARLY-ONSET, 4, VITAMIN B6-DEPENDENT. Identifiers: Orphanet 3006, MedGen C1849508, MONDO:0009945, OMIM 266100. Disease mechanism: loss of function.

Submission:

Labcorp Genetics (formerly Invitae), Labcorp
Classification: Uncertain significance for Pyridoxine-dependent epilepsy. Last evaluated: 2022-04-19. Review status: criteria provided, single submitter. Criteria: Invitae Variant Classification Sherloc (09022015). Collection method: clinical testing. Allele origin: germline.
Comment: In summary, the available evidence is currently insufficient to determine the role of this variant in disease. Therefore, it has been classified as a Variant of Uncertain Significance. Advanced modeling of protein sequence and biophysical properties (such as structural, functional, and spatial information, amino acid conservation, physicochemical variation, residue mobility, and thermodynamic stability) performed at Invitae indicates that this missense variant is not expected to disrupt ALDH7A1 protein function. ClinVar contains an entry for this variant (Variation ID: 1038679). This variant has not been reported in the literature in individuals affected with ALDH7A1-related conditions. This variant is not present in population databases (gnomAD no frequency). This sequence change replaces lysine, which is basic and polar, with asparagine, which is neutral and polar, at codon 352 of the ALDH7A1 protein (p.Lys352Asn).

NM_001182.5(ALDH7A1):c.1056G>T (p.Lys352Asn)

Gene: ALDH7A1 (aldehyde dehydrogenase 7 family member A1; minus strand). Cytogenetic location: 5q23.2.
Variant type: single nucleotide variant.
Coding change: c.1056G>T on transcript NM_001182.5 (MANE Select); coding-DNA position 1056, G replaced by T.
Protein change: p.Lys352Asn; replaces lysine 352 with asparagine.
Molecular consequence: missense variant. On other transcripts: intron variant (1).
Genome position (GRCh38, 1-based): chr5:126,555,968, C>A on the plus strand (G>T on the coding strand, the complement: ALDH7A1 is on the minus strand). VCF-style: chr5-126555968-C-A. GRCh37 (hg19) VCF-style: chr5-125891660-C-A.
Other names: c.972G>T, p.Lys324Asn (NM_001201377.2); c.1008+3272G>T (NM_001202404.2); short protein forms K324N, K352N.
Identifiers: ClinVar variation 1038679 (VCV001038679.8), dbSNP rs1750181159, ClinGen allele CA360724838.